The following is an entry in ClinVar:

ClinVar aggregate classification (germline): Uncertain significance (1 of 4 stars; one submission).

Allele frequency attached by ClinVar (database versions not stated): ExAC 0.00002; gnomAD exomes 0.00002; TOPMed 0.00005; gnomAD 0.00007.
gnomAD v4.1: 46 of 1,613,948 alleles (0.0029%); highest among the groups gnomAD compares: Non-Finnish European, 0.0036%; no homozygotes.

Submission:

Labcorp Genetics (formerly Invitae), Labcorp
Classification: Uncertain significance. Last evaluated: 2022-06-13. Review status: criteria provided, single submitter. Criteria: Invitae Variant Classification Sherloc (09022015). Collection method: clinical testing. Allele origin: germline.
Comment: This sequence change affects codon 2473 of the VPS13D mRNA. It is a 'silent' change, meaning that it does not change the encoded amino acid sequence of the VPS13D protein. This variant is present in population databases (rs781633901, gnomAD 0.005%). This variant has not been reported in the literature in individuals affected with VPS13D-related conditions. Algorithms developed to predict the effect of sequence changes on RNA splicing suggest that this variant may create or strengthen a splice site. In summary, the available evidence is currently insufficient to determine the role of this variant in disease. Therefore, it has been classified as a Variant of Uncertain Significance.

NM_015378.4(VPS13D):c.7419G>A (p.Thr2473=)

Gene: VPS13D (vacuolar protein sorting 13 homolog D; plus strand). Cytogenetic location: 1p36.22.
Variant type: single nucleotide variant.
Coding change: c.7419G>A on transcript NM_015378.4 (MANE Select); coding-DNA position 7419, G replaced by A.
Protein change: p.Thr2473=; no amino-acid change (threonine 2473 retained).
Molecular consequence: synonymous variant.
Genome position (GRCh38, 1-based): chr1:12,319,501, G>A. VCF-style: chr1-12319501-G-A. GRCh37 (hg19) VCF-style: chr1-12379558-G-A.
Other names: c.7419G>A, p.Thr2473= (NM_018156.4).
Identifiers: ClinVar variation 2085791 (VCV002085791.1), dbSNP rs781633901, ClinGen allele CA602838.